The following is an entry in ClinVar:

NM_004463.3(FGD1):c.2581-3_2596dup

Genes: FGD1 (FYVE, RhoGEF and PH domain containing 1; minus strand), TSR2 (TSR2 ribosome maturation factor; plus strand). Cytogenetic location: Xp11.22.
Variant type: Duplication.
Coding change: c.2581-3_2596dup on transcript NM_004463.3 (MANE Select); 3 bases into the intron before coding-DNA position 2581 through coding-DNA position 2596, 19 bases duplicated (CAGGATGTGAAAGCCCAGC).
Molecular consequence: splice acceptor variant. On other transcripts: 3 prime UTR variant (5).
Genome position (GRCh38, 1-based): chrX:54,446,399-54,446,417, GCTGGGCTTTCACATCCTG duplicated on the plus strand (CAGGATGTGAAAGCCCAGC on the coding strand, the reverse complement: FGD1 is on the minus strand); duplicating any 19 consecutive bases within chrX:54,446,399-54,446,419 gives the same sequence; the c. name uses the placement nearest the transcript's 3' end. VCF-style (leftmost placement, unchanged base first): chrX-54446398-C-CGCTGGGCTTTCACATCCTG. GRCh37 (hg19) VCF-style: chrX-54472831-C-CGCTGGGCTTTCACATCCTG.
Other names: c.*1851_*1869dup (NM_001346789.2, NM_001346790.2, NM_001346791.2 and 2 more transcripts).
Identifiers: ClinVar variation 4729594 (VCV004729594.1).
Genomic context (GRCh38, chrX:54,446,398, plus strand): 5'-CTGTCAGGCCGCTCCCCTGCCTCGGGCGGTCCCACCTCGAAGCCAATGAGGGGCAGGCTG[C>CGCTGGGCTTTCACATCCTG]GCTGGGCTTTCACATCCTGGCGGGAGGAGGGACAGAGCTGGGGCCACCTTGGGGCTAGAC-3'

ClinVar aggregate classification (germline): Uncertain significance (1 of 4 stars; one submission).

Submission:

Labcorp Genetics (formerly Invitae), Labcorp
Classification: Uncertain significance. Last evaluated: 2025-10-21. Review status: criteria provided, single submitter. Criteria: Invitae Variant Classification Sherloc (09022015). Collection method: clinical testing. Allele origin: germline.
Comment: This sequence change falls in intron 17 of the FGD1 gene. It does not directly change the encoded amino acid sequence of the FGD1 protein. This variant is not present in population databases (gnomAD no frequency). This variant has been observed in individual(s) with Aarskog syndrome (internal data). Experimental studies and prediction algorithms are not available or were not evaluated, and the effect of this variant on mRNA splicing is currently unknown. In summary, the available evidence is currently insufficient to determine the role of this variant in disease. Therefore, it has been classified as a Variant of Uncertain Significance.